The following is an entry in ClinVar:

ClinVar aggregate classification (germline): Pathogenic/Likely pathogenic. Review status: criteria provided, multiple submitters, no conflicts (2 of 4 stars). 4 submissions from 3 submitters: Pathogenic (1); Likely pathogenic (1). 2 of the submissions do not count toward it. Last evaluated 2022-10-09.

Conditions:
Frasier syndrome. Identifiers: Orphanet 347, MedGen C0950122, MeSH D052159, MONDO:0007635, OMIM 136680.
Wilms tumor 1 (WT1). Also called: Wilms tumor, somatic. Identifiers: Orphanet 654, MedGen CN033288, MONDO:0008679, OMIM 194070.
11p partial monosomy syndrome (WAGR). Also called: CHROMOSOME 11p13 DELETION SYNDROME; WAGR Complex; WAGR syndrome; WAGR Spectrum Disorder. Identifiers: Orphanet 893, MedGen C0206115, MONDO:0008681, OMIM 194072.
Drash syndrome (DDS). Also called: NEPHROPATHY, WILMS TUMOR, AND GENITAL ANOMALIES; WILMS TUMOR AND PSEUDO- OR TRUE HERMAPHRODITISM. Identifiers: Orphanet 220, MedGen C0950121, MONDO:0008682, OMIM 194080.
Nephrotic syndrome, type 4 (NPHS4). Also called: Familial mesangial sclerosis; Nephrotic syndrome, early onset with diffuse mesangial sclerosis. Identifiers: Orphanet 656, MedGen C3151568, MONDO:0009733, OMIM 256370.

Submissions (4):

Labcorp Genetics (formerly Invitae), Labcorp
Classification: Pathogenic for Wilms tumor 1; Drash syndrome; 11p partial monosomy syndrome; Frasier syndrome. Last evaluated: 2022-10-09. Review status: criteria provided, single submitter. Criteria: Invitae Variant Classification Sherloc (09022015). Collection method: clinical testing. Allele origin: germline.
Comment: For these reasons, this variant has been classified as Pathogenic. This missense change has been observed in individual(s) with clinical features of Denys-Drash syndrome (PMID: 1327525, 9529364). In at least one individual the variant was observed to be de novo. This variant is also known as His377Tyr. ClinVar contains an entry for this variant (Variation ID: 3495). Algorithms developed to predict the effect of missense changes on protein structure and function (SIFT, PolyPhen-2, Align-GVGD) all suggest that this variant is likely to be disruptive. This variant disrupts the p.His445 amino acid residue in WT1. Other variant(s) that disrupt this residue have been observed in individuals with WT1-related conditions (PMID: 20562648, 21851196), which suggests that this may be a clinically significant amino acid residue. This sequence change replaces histidine, which is basic and polar, with tyrosine, which is neutral and polar, at codon 445 of the WT1 protein (p.His445Tyr). This variant is not present in population databases (gnomAD no frequency).

Neuberg Centre For Genomic Medicine, NCGM
Classification: Likely pathogenic for Drash syndrome. Review status: criteria provided, single submitter. Criteria: ACMG Guidelines, 2015. Collection method: clinical testing. Allele origin: germline. Affected: yes.
Comment: The missense variant p.H450Y in WT1 (NM_024426.6) chas been reported previously as His377Tyr in an affected patient with Denys Drasch syndrome (Jeanpierre, C et al). The variant has been submitted to ClinVar as Pathogenic but no functional studies have been reported. The p.H450Y variant is novel (not in any individuals) in gnomAD Exomes and is novel (not in any individuals) in 1000 Genomes. The p.H450Y missense variant is predicted to be damaging by both SIFT and PolyPhen2. The histidine residue at codon 450 of WT1 is conserved in all mammalian species. The nucleotide c.1348 in WT1 is predicted conserved by GERP++ and PhyloP across 100 vertebrates. For these reasons, this variant has been classified as Likely Pathogenic.

OMIM
Classification: Pathogenic for DENYS-DRASH SYNDROME. Last evaluated: 1998-04-01. Review status: no assertion criteria provided. Collection method: literature only. Allele origin: germline. Not counted in ClinVar's aggregate classification.

OMIM
Classification: Pathogenic for NEPHROTIC SYNDROME, TYPE 4. Last evaluated: 1998-04-01. Review status: no assertion criteria provided. Collection method: literature only. Allele origin: germline. Not counted in ClinVar's aggregate classification.

Literature cited by the submitters: PubMed 1327525 (cited by Labcorp Genetics (formerly Invitae), Labcorp and OMIM); PubMed 9529364 (cited by Labcorp Genetics (formerly Invitae), Labcorp and OMIM); PubMed 20562648 (cited by Labcorp Genetics (formerly Invitae), Labcorp); PubMed 21851196 (cited by Labcorp Genetics (formerly Invitae), Labcorp).

NM_024426.6(WT1):c.1348C>T (p.His450Tyr)

Gene: WT1 (WT1 transcription factor; minus strand). Cytogenetic location: 11p13.
Variant type: single nucleotide variant.
Coding change: c.1348C>T on transcript NM_024426.6 (MANE Select); coding-DNA position 1348, C replaced by T.
Protein change: p.His450Tyr; replaces histidine 450 with tyrosine.
Molecular consequence: missense variant. On other transcripts: non-coding transcript variant (1).
Genome position (GRCh38, 1-based): chr11:32,392,672, G>A on the plus strand (C>T on the coding strand, the complement: WT1 is on the minus strand). VCF-style: chr11-32392672-G-A. GRCh37 (hg19) VCF-style: chr11-32414218-G-A.
Other names: H377Y; c.1297C>T, p.His433Tyr (NM_000378.6, NM_001407045.1, NM_001407049.1); c.697C>T, p.His233Tyr (NM_001198551.2); c.646C>T, p.His216Tyr (NM_001198552.2); c.160C>T, p.His54Tyr (NM_001367854.1); c.1342C>T, p.His448Tyr (NM_001407044.1); c.1348C>T, p.His450Tyr (NM_001407046.1, NM_024424.5); c.1225C>T, p.His409Tyr (NM_001407047.1); and 3 more; short protein forms H233Y, H216Y, H450Y, H433Y, H54Y, H196Y, H392Y, H409Y.
Identifiers: ClinVar variation 3495 (VCV000003495.9), dbSNP rs28942089, ClinGen allele CA016298.